The following is an entry in ClinVar:

NM_005566.4(LDHA):c.854A>T (p.Asp285Val)

Gene: LDHA (lactate dehydrogenase A; plus strand). Cytogenetic location: 11p15.1.
Variant type: single nucleotide variant.
Coding change: c.854A>T on transcript NM_005566.4 (MANE Select); coding-DNA position 854, A replaced by T.
Protein change: p.Asp285Val; replaces aspartic acid 285 with valine.
Molecular consequence: missense variant. On other transcripts: 3 prime UTR variant (1), non-coding transcript variant (1), intron variant (1).
Genome position (GRCh38, 1-based): chr11:18,407,136, A>T. VCF-style: chr11-18407136-A-T. GRCh37 (hg19) VCF-style: chr11-18428683-A-T.
Other names: c.680A>T, p.Asp227Val (NM_001135239.2); c.941A>T, p.Asp314Val (NM_001165414.2); c.*4A>T (NM_001165416.2); c.688-103A>T (NM_001165415.2); c.854A>T (NM_005566.3); short protein forms D227V, D285V, D314V.
Identifiers: ClinVar variation 1711317 (VCV001711317.35), dbSNP rs147520495, ClinGen allele CA5911432.
Genomic context (GRCh38, chr11:18,407,136, plus strand): 5'-AGACAAAATGTGAGATTTTTTTTTTTTCATTTCATCTTCAGGGTCTTTACGGAATAAAGG[A>T]TGATGTCTTCCTTAGTGTTCCTTGCATTTTGGGACAGAATGGAATCTCAGACCTTGTGAA-3'
Protein context (NP_005557.1, residues 275-295): TMIKGLYGIK[Asp285Val]DVFLSVPCIL

ClinVar aggregate classification (germline): Uncertain significance. Review status: criteria provided, multiple submitters, no conflicts (2 of 4 stars). 5 submissions from 5 submitters: Uncertain significance (5). Last evaluated 2024-07-02.

Conditions:
Glycogen storage disease due to lactate dehydrogenase M-subunit deficiency (GSD11). Also called: GSD XI; LACTATE DEHYDROGENASE A DEFICIENCY; Glycogen storage disease XI. Identifiers: Orphanet 284426, MedGen C2931743, MONDO:0013047, OMIM 612933.

Allele frequency attached by ClinVar (database versions not stated): gnomAD 0.00009; ExAC 0.00012; gnomAD exomes 0.00021; ESP Exome Variant Server 0.00023.
gnomAD v4.1: 333 of 1,607,264 alleles (0.021%); highest among the groups gnomAD compares: Non-Finnish European, 0.027%; no homozygotes.

Submissions (5):

GeneDx
Classification: Uncertain significance. Last evaluated: 2024-07-02. Review status: criteria provided, single submitter. Criteria: GeneDx Variant Classification Process June 2021. Collection method: clinical testing. Allele origin: germline. Affected: yes.
Comment: In silico analysis supports that this missense variant has a deleterious effect on protein structure/function; Has not been previously published as pathogenic or benign to our knowledge

Fulgent Genetics
Classification: Uncertain significance for Glycogen storage disease due to lactate dehydrogenase M-subunit deficiency. Last evaluated: 2024-06-18. Review status: criteria provided, single submitter. Criteria: ACMG Guidelines, 2015. Collection method: clinical testing. Allele origin: germline.

Blueprint Genetics
Classification: Uncertain significance. Last evaluated: 2023-12-29. Review status: criteria provided, single submitter. Criteria: ACMG Guidelines, 2015. Collection method: clinical testing. Allele origin: germline.

Labcorp Genetics (formerly Invitae), Labcorp
Classification: Uncertain significance for Glycogen storage disease due to lactate dehydrogenase M-subunit deficiency. Last evaluated: 2022-10-25. Review status: criteria provided, single submitter. Criteria: Invitae Variant Classification Sherloc (09022015). Collection method: clinical testing. Allele origin: germline.
Comment: This sequence change replaces aspartic acid, which is acidic and polar, with valine, which is neutral and non-polar, at codon 285 of the LDHA protein (p.Asp285Val). This variant is present in population databases (rs147520495, gnomAD 0.02%). This variant has not been reported in the literature in individuals affected with LDHA-related conditions. Algorithms developed to predict the effect of missense changes on protein structure and function are either unavailable or do not agree on the potential impact of this missense change (SIFT: "Deleterious"; PolyPhen-2: "Possibly Damaging"; Align-GVGD: "Class C15"). In summary, the available evidence is currently insufficient to determine the role of this variant in disease. Therefore, it has been classified as a Variant of Uncertain Significance.

CeGaT Center for Human Genetics Tuebingen
Classification: Uncertain significance. Last evaluated: 2022-09-01. Review status: criteria provided, single submitter. Criteria: CeGaT Center For Human Genetics Tuebingen Variant Classification Criteria Version 2. Collection method: clinical testing. Allele origin: germline. Affected: yes. Observed: 1 variant allele.
Comment: LDHA: PM2:Supporting, BP4